The following is an entry in ClinVar:

NM_000088.4(COL1A1):c.2032G>T (p.Glu678Ter)

Gene: COL1A1 (collagen type I alpha 1 chain; minus strand). Cytogenetic location: 17q21.33.
Variant type: single nucleotide variant.
Coding change: c.2032G>T on transcript NM_000088.4 (MANE Select); coding-DNA position 2032, G replaced by T.
Protein change: p.Glu678Ter; replaces glutamic acid 678 with a stop codon.
Molecular consequence: nonsense.
Genome position (GRCh38, 1-based): chr17:50,191,883, C>A on the plus strand (G>T on the coding strand, the complement: COL1A1 is on the minus strand). VCF-style: chr17-50191883-C-A. GRCh37 (hg19) VCF-style: chr17-48269244-C-A.
Other names: short protein forms E678*.
Identifiers: ClinVar variation 3340087 (VCV003340087.3).

ClinVar aggregate classification (germline): Pathogenic/Likely pathogenic. Review status: criteria provided, multiple submitters, no conflicts (2 of 4 stars). 3 submissions from 3 submitters: Pathogenic (1); Likely pathogenic (2). Last evaluated 2025-12-30.

Conditions:
Osteogenesis imperfecta type III (OI3). Also called: Osteogenesis imperfecta type 3; OI type 3; Osteogenesis imperfecta, progressively deforming with normal sclerae; OI type III; Progressively Deforming Osteogenesis Imperfecta. Identifiers: Orphanet 216812, Orphanet 666, MedGen C0268362, MONDO:0009804, OMIM 259420.
Osteogenesis imperfecta type I (OI1). Also called: OI, TYPE I; OSTEOGENESIS IMPERFECTA TARDA; OSTEOGENESIS IMPERFECTA WITH BLUE SCLERAE; Osteogenesis imperfecta type 1; Lobstein's Disease; Lobstein disease. Identifiers: Orphanet 216796, Orphanet 666, MedGen C0023931, MONDO:0008146, OMIM 166200. Disease mechanism: loss of function.

gnomAD v4.1: 1 of 1,601,962 alleles (0.000062%); highest among the groups gnomAD compares: East Asian, 0.0022%; no homozygotes.

Submissions (3):

Labcorp Genetics (formerly Invitae), Labcorp
Classification: Pathogenic for Osteogenesis imperfecta type I. Last evaluated: 2025-12-30. Review status: criteria provided, single submitter. Criteria: Invitae Variant Classification Sherloc (09022015). Collection method: clinical testing. Allele origin: germline.
Comment: This sequence change creates a premature translational stop signal (p.Glu678*) in the COL1A1 gene. It is expected to result in an absent or disrupted protein product. Loss-of-function variants in COL1A1 are known to be pathogenic (PMID: 7942841, 9295084, 9443882). This variant is not present in population databases (gnomAD no frequency). This premature translational stop signal has been observed in individual(s) with osteogenesis imperfecta (PMID: 12590186). This variant is also known as E500X. ClinVar contains an entry for this variant (Variation ID: 3340087). For these reasons, this variant has been classified as Pathogenic.

Institute of Human Genetics, University of Goettingen
Classification: Likely pathogenic for Osteogenesis imperfecta type I. Last evaluated: 2024-08-19. Review status: criteria provided, single submitter. Criteria: ACMG Guidelines, 2015. Collection method: clinical testing. Allele origin: germline. Inheritance: Autosomal dominant inheritance. Affected: yes. Observed: 1 heterozygote.
Comment: PVS1:Null variant (nonsense) in gene COL1A1, predicted to cause NMD. Loss-of-function is a known mechanism of disease (gene has 1 120 reported pathogenic LOF variants). The exon affects 2 functional domains: UniProt protein CO1A1_HUMAN region of interest 'Disordered' and UniProt protein CO1A1_HUMAN region of interest 'Triple-helical region'. The exon contains 42 pathogenic variants. The truncated region contains 919 pathogenic variants. PM2_sup: Variant not found in gnomAD genomes, good gnomAD genomes coverage = 32.6.Variant not found in gnomAD exomes, good gnomAD exomes coverage = 63.2.

Clinical Genetics Service, Universitary Hospital 12 de Octubre
Classification: Likely pathogenic for Osteogenesis imperfecta type III. Review status: criteria provided, single submitter. Criteria: ACMG Guidelines, 2015. Collection method: clinical testing. Allele origin: germline. Affected: yes.

Literature cited by the submitters: PubMed 7942841 (cited by Labcorp Genetics (formerly Invitae), Labcorp); PubMed 9295084 (cited by Labcorp Genetics (formerly Invitae), Labcorp); PubMed 9443882 (cited by Labcorp Genetics (formerly Invitae), Labcorp); PubMed 12590186 (cited by Labcorp Genetics (formerly Invitae), Labcorp).